The following is an entry in ClinVar:

NM_000214.3(JAG1):c.3112C>A (p.Leu1038Ile)

Gene: JAG1 (jagged canonical Notch ligand 1; minus strand). Cytogenetic location: 20p12.2.
Variant type: single nucleotide variant.
Coding change: c.3112C>A on transcript NM_000214.3 (MANE Select); coding-DNA position 3112, C replaced by A.
Protein change: p.Leu1038Ile; replaces leucine 1038 with isoleucine.
Molecular consequence: missense variant.
Genome position (GRCh38, 1-based): chr20:10,640,870, G>T on the plus strand (C>A on the coding strand, the complement: JAG1 is on the minus strand). VCF-style: chr20-10640870-G-T. GRCh37 (hg19) VCF-style: chr20-10621518-G-T.
Other names: short protein forms L1038I.
Identifiers: ClinVar variation 1727764 (VCV001727764.9), dbSNP rs139934091, ClinGen allele CA408244135.

ClinVar aggregate classification (germline): Uncertain significance. Review status: criteria provided, multiple submitters, no conflicts (2 of 4 stars). 3 submissions from 3 submitters: Uncertain significance (3). Last evaluated 2025-12-29.

Conditions:
Alagille syndrome due to a JAG1 point mutation. Also called: Alagille Syndrome 1; JAG1-Related Alagille Syndrome; HEPATIC DUCTULAR HYPOPLASIA, SYNDROMATIC. Identifiers: Orphanet 261619, Orphanet 52, MedGen C1956125, MONDO:0016862, OMIM 118450.
Charcot-Marie-Tooth disease, axonal, Type 2HH. Also called: CHARCOT-MARIE-TOOTH NEUROPATHY, TYPE 2HH. Identifiers: MedGen C5562003, MONDO:0030458, OMIM 619574.
Deafness, congenital heart defects, and posterior embryotoxon (DCHE). Identifiers: MedGen C1866053, MONDO:0060713, OMIM 617992.
Tetralogy of Fallot (TOF). Identifiers: Orphanet 3303, MedGen C0039685, MONDO:0008542, OMIM 187500, HP:0001636.
Cardiovascular phenotype. Identifiers: MedGen CN230736.

Allele frequency attached by ClinVar (database versions not stated): gnomAD exomes below 0.00001; TOPMed 0.00001; gnomAD 0.00002.
gnomAD v4.1: 9 of 1,613,764 alleles (0.00056%); highest among the groups gnomAD compares: Non-Finnish European, 0.00076%; no homozygotes.

Submissions (3):

Labcorp Genetics (formerly Invitae), Labcorp
Classification: Uncertain significance for Alagille syndrome due to a JAG1 point mutation. Last evaluated: 2025-12-29. Review status: criteria provided, single submitter. Criteria: Invitae Variant Classification Sherloc (09022015). Collection method: clinical testing. Allele origin: germline.
Comment: This sequence change replaces leucine, which is neutral and non-polar, with isoleucine, which is neutral and non-polar, at codon 1038 of the JAG1 protein (p.Leu1038Ile). This variant is not present in population databases (gnomAD no frequency). This variant has not been reported in the literature in individuals affected with JAG1-related conditions. ClinVar contains an entry for this variant (Variation ID: 1727764). Invitae Evidence Modeling of protein sequence and biophysical properties (such as structural, functional, and spatial information, amino acid conservation, physicochemical variation, residue mobility, and thermodynamic stability) indicates that this missense variant is not expected to disrupt JAG1 protein function with a negative predictive value of 95%. In summary, the available evidence is currently insufficient to determine the role of this variant in disease. Therefore, it has been classified as a Variant of Uncertain Significance.

Ambry Genetics
Classification: Uncertain significance for Cardiovascular phenotype. Last evaluated: 2025-09-28. Review status: criteria provided, single submitter. Criteria: Ambry Variant Classification Scheme 2023. Collection method: clinical testing. Allele origin: germline.

Fulgent Genetics
Classification: Uncertain significance for Alagille syndrome due to a JAG1 point mutation; Tetralogy of Fallot; Deafness, congenital heart defects, and posterior embryotoxon; Charcot-Marie-Tooth disease, axonal, Type 2HH. Last evaluated: 2024-02-12. Review status: criteria provided, single submitter. Criteria: ACMG Guidelines, 2015. Collection method: clinical testing. Allele origin: germline.